The following is an entry in ClinVar:

ClinVar aggregate classification (germline): Likely benign (1 of 4 stars; one submission).

Allele frequency attached by ClinVar (database versions not stated): gnomAD exomes 0.00009; ExAC 0.00034; 1000 Genomes Project 30x 0.00062; ESP Exome Variant Server 0.00075; 1000 Genomes Project 0.00080; gnomAD 0.00089; TOPMed 0.00096.
gnomAD v4.1: 268 of 1,604,546 alleles (0.017%); highest among the groups gnomAD compares: African/African-American, 0.27%; no homozygotes.

Submission:

CeGaT Center for Human Genetics Tuebingen
Classification: Likely benign. Last evaluated: 2024-04-01. Review status: criteria provided, single submitter. Criteria: CeGaT Center For Human Genetics Tuebingen Variant Classification Criteria Version 2. Collection method: clinical testing. Allele origin: germline. Affected: yes. Observed: 1 variant allele.
Comment: COL6A5: BP4

NM_001278298.2(COL6A5):c.7477C>T (p.Arg2493Cys)

Gene: COL6A5 (collagen type VI alpha 5 chain; plus strand). Cytogenetic location: 3q22.1.
Variant type: single nucleotide variant.
Coding change: c.7477C>T on transcript NM_001278298.2 (MANE Select); coding-DNA position 7477, C replaced by T.
Protein change: p.Arg2493Cys; replaces arginine 2493 with cysteine.
Molecular consequence: missense variant. On other transcripts: non-coding transcript variant (1).
Genome position (GRCh38, 1-based): chr3:130,469,481, C>T. VCF-style: chr3-130469481-C-T. GRCh37 (hg19) VCF-style: chr3-130188325-C-T.
Other names: c.7477C>T, p.Arg2493Cys (NM_001412157.1, NM_153264.7); short protein forms R2493C.
Identifiers: ClinVar variation 3234347 (VCV003234347.20), dbSNP rs199742927, ClinGen allele CA2611716.
Genomic context (GRCh38, chr3:130,469,481, plus strand): 5'-CACAAGCCAGATTGGAACTATATCATCAAGTTTGTCAAGCCATTTGTCCATTTAATCAGA[C>T]GTAAGTCATTAATTCTCTTTGATTGCTTTTGCAATAGATTTAATGTTTCTGTGTACAGTC-3'
Protein context (NP_001265227.1, residues 2483-2503): FVKPFVHLIR[Arg2493Cys]AINKYPTEDM